The following is an entry in ClinVar:

NM_002069.6(GNAI1):c.462C>G (p.Tyr154Ter)

Gene: GNAI1 (G protein subunit alpha i1; plus strand). Cytogenetic location: 7q21.11.
Variant type: single nucleotide variant.
Coding change: c.462C>G on transcript NM_002069.6 (MANE Select); coding-DNA position 462, C replaced by G.
Protein change: p.Tyr154Ter; replaces tyrosine 154 with a stop codon.
Molecular consequence: nonsense.
Genome position (GRCh38, 1-based): chr7:80,203,704, C>G. VCF-style: chr7-80203704-C-G. GRCh37 (hg19) VCF-style: chr7-79833020-C-G.
Other names: c.306C>G, p.Tyr102Ter (NM_001256414.2); short protein forms Y102*, Y154*.
Identifiers: ClinVar variation 2429704 (VCV002429704.1), dbSNP rs2484442777, ClinGen allele CA368012225.

ClinVar aggregate classification (germline): Uncertain significance (1 of 4 stars; one submission).

Submission:

GeneDx
Classification: Uncertain significance. Last evaluated: 2022-08-10. Review status: criteria provided, single submitter. Criteria: GeneDx Variant Classification Process June 2021. Collection method: clinical testing. Allele origin: germline. Affected: yes.
Comment: Not observed at significant frequency in large population cohorts (gnomAD); Nonsense variant predicted to result in protein truncation or nonsense mediated decay in a gene or region of a gene for which loss of function is not a well-established mechanism of disease; Has not been previously published as pathogenic or benign to our knowledge